The following is an entry in ClinVar:

NM_022893.4(BCL11A):c.1502A>G (p.Glu501Gly)

Gene: BCL11A (BCL11 transcription factor A; minus strand). Cytogenetic location: 2p16.1.
Variant type: single nucleotide variant.
Coding change: c.1502A>G on transcript NM_022893.4 (MANE Select); coding-DNA position 1502, A replaced by G.
Protein change: p.Glu501Gly; replaces glutamic acid 501 with glycine.
Molecular consequence: missense variant. On other transcripts: intron variant (6).
Genome position (GRCh38, 1-based): chr2:60,461,410, T>C on the plus strand (A>G on the coding strand, the complement: BCL11A is on the minus strand). VCF-style: chr2-60461410-T-C. GRCh37 (hg19) VCF-style: chr2-60688545-T-C.
Other names: c.1400A>G, p.Glu467Gly (NM_001363864.1, NM_001365609.1, NM_001405711.1 and 2 more transcripts); c.1502A>G, p.Glu501Gly (NM_001405708.1, NM_001405709.1, NM_001405710.1 and 1 more transcripts); c.1346A>G, p.Glu449Gly (NM_001405713.1, NM_001405714.1, NM_001405715.1 and 3 more transcripts); c.1244A>G, p.Glu415Gly (NM_001405717.1, NM_001405718.1, NM_001405724.1); c.1169A>G, p.Glu390Gly (NM_001405720.1, NM_001405721.1); c.1046A>G, p.Glu349Gly (NM_001405725.1, NM_001405726.1, NM_001405727.1 and 1 more transcripts); c.809A>G, p.Glu270Gly (NM_001405729.1); c.965A>G, p.Glu322Gly (NM_001405730.1); and 5 more; short protein forms E170G, E270G, E322G, E349G, E390G, E415G, E449G, E467G.
Identifiers: ClinVar variation 3343569 (VCV003343569.1).
Genomic context (GRCh38, chr2:60,461,410, plus strand): 5'-GCCTCCAGGCTCAGCCCGAAGCCGTAGTCCACCCTCTCGCTCTCCGTCAGCTCCTCCTCC[T>C]CCTCTTCCTCCTCTTCTTCCTCTTCCTCGTCGTCCTCCTCTTCCTCCTCGTCCCCGTTCT-3'
Protein context (NP_075044.2, residues 491-511): DEEEEEEEEE[Glu501Gly]EEELTESERV

ClinVar aggregate classification (germline): Uncertain significance (1 of 4 stars; one submission).

Submission:

GeneDx
Classification: Uncertain significance. Last evaluated: 2023-05-15. Review status: criteria provided, single submitter. Criteria: GeneDx Variant Classification Process June 2021. Collection method: clinical testing. Allele origin: germline. Affected: yes.
Comment: Not observed at significant frequency in large population cohorts (gnomAD); In silico analysis supports that this missense variant has a deleterious effect on protein structure/function; Has not been previously published as pathogenic or benign to our knowledge